The following is an entry in ClinVar:

NM_006734.4(HIVEP2):c.2052A>C (p.Val684=)

Gene: HIVEP2 (HIVEP zinc finger 2; minus strand). Cytogenetic location: 6q24.2.
Variant type: single nucleotide variant.
Coding change: c.2052A>C on transcript NM_006734.4 (MANE Select); coding-DNA position 2052, A replaced by C.
Protein change: p.Val684=; no amino-acid change (valine 684 retained).
Molecular consequence: synonymous variant.
Genome position (GRCh38, 1-based): chr6:142,772,687, T>G on the plus strand (A>C on the coding strand, the complement: HIVEP2 is on the minus strand). VCF-style: chr6-142772687-T-G. GRCh37 (hg19) VCF-style: chr6-143093824-T-G.
Other names: c.2052A>C (NM_006734.3).
Identifiers: ClinVar variation 2656959 (VCV002656959.29), dbSNP rs377429315, ClinGen allele CA4028489.

ClinVar aggregate classification (germline): Likely benign. Review status: criteria provided, multiple submitters, no conflicts (2 of 4 stars). 4 submissions from 4 submitters: Likely benign (3). 1 of the submissions does not count toward it. Last evaluated 2025-05-27.

Conditions:
HIVEP2-related disorder. Also called: HIVEP2-related condition.

Allele frequency attached by ClinVar (database versions not stated): gnomAD 0.00003; gnomAD exomes 0.00003; TOPMed 0.00003; ExAC 0.00005; ESP Exome Variant Server 0.00008.
gnomAD v4.1: 52 of 1,614,238 alleles (0.0032%); highest among the groups gnomAD compares: Middle Eastern, 0.033%; no homozygotes.

Submissions (4):

Labcorp Genetics (formerly Invitae), Labcorp
Classification: Likely benign. Last evaluated: 2025-05-27. Review status: criteria provided, single submitter. Criteria: Invitae Variant Classification Sherloc (09022015). Collection method: clinical testing. Allele origin: germline.

CeGaT Center for Human Genetics Tuebingen
Classification: Likely benign. Last evaluated: 2022-09-01. Review status: criteria provided, single submitter. Criteria: CeGaT Center For Human Genetics Tuebingen Variant Classification Criteria Version 2. Collection method: clinical testing. Allele origin: germline. Affected: yes. Observed: 1 variant allele.
Comment: HIVEP2: BP4, BP7

Breakthrough Genomics
Classification: Likely benign. Review status: criteria provided, single submitter. Criteria: ACMG Guidelines, 2015. Collection method: not provided. Allele origin: germline. Inheritance: Autosomal dominant inheritance. Affected: yes.

PreventionGenetics, part of Exact Sciences
Classification: Likely benign for HIVEP2-related condition. Last evaluated: 2019-05-10. Review status: no assertion criteria provided. Collection method: clinical testing. Allele origin: germline. Not counted in ClinVar's aggregate classification.
Comment: This variant is classified as likely benign based on ACMG/AMP sequence variant interpretation guidelines (Richards et al. 2015 PMID: 25741868, with internal and published modifications).